The following is an entry in ClinVar:

ClinVar aggregate classification (germline): Uncertain significance (1 of 4 stars; one submission).

Conditions:
Neutral lipid storage myopathy (NLSDM). Also called: NEUTRAL LIPID STORAGE DISEASE WITHOUT ICHTHYOSIS. Identifiers: Orphanet 98908, MedGen C1853136, MONDO:0012545, OMIM 610717.

Allele frequency attached by ClinVar (database versions not stated): gnomAD exomes below 0.00001 and 0.00002; ExAC 0.00001; TOPMed 0.00002.
gnomAD v4.1: 4 of 1,579,988 alleles (0.00025%); highest among the groups gnomAD compares: Middle Eastern, 0.017%; no homozygotes.

Submission:

Labcorp Genetics (formerly Invitae), Labcorp
Classification: Uncertain significance for Neutral lipid storage myopathy. Last evaluated: 2021-09-11. Review status: criteria provided, single submitter. Criteria: Invitae Variant Classification Sherloc (09022015). Collection method: clinical testing. Allele origin: germline.
Comment: This sequence change falls in intron 6 of the PNPLA2 gene. It does not directly change the encoded amino acid sequence of the PNPLA2 protein. It affects a nucleotide within the consensus splice site of the intron. This variant is present in population databases (rs751221114, ExAC 0.002%). This variant has not been reported in the literature in individuals affected with PNPLA2-related conditions. Variants that disrupt the consensus splice site are a relatively common cause of aberrant splicing (PMID: 17576681, 9536098). Algorithms developed to predict the effect of sequence changes on RNA splicing suggest that this variant is not likely to affect RNA splicing. In summary, the available evidence is currently insufficient to determine the role of this variant in disease. Therefore, it has been classified as a Variant of Uncertain Significance.

Literature cited by the submitters: PubMed 17576681; PubMed 9536098.

NM_020376.4(PNPLA2):c.757+6C>T

Gene: PNPLA2 (patatin like domain 2, triacylglycerol lipase; plus strand). Cytogenetic location: 11p15.5.
Variant type: single nucleotide variant.
Coding change: c.757+6C>T on transcript NM_020376.4 (MANE Select); 6 bases into the intron after coding-DNA position 757, C replaced by T.
Molecular consequence: intron variant.
Genome position (GRCh38, 1-based): chr11:823,593, C>T. VCF-style: chr11-823593-C-T. GRCh37 (hg19) VCF-style: chr11-823593-C-T.
Identifiers: ClinVar variation 1408387 (VCV001408387.3), dbSNP rs751221114, ClinGen allele CA5791132.